The following is an entry in ClinVar:

NM_012431.3(SEMA3E):c.335C>A (p.Ala112Glu)

Gene: SEMA3E (semaphorin 3E; minus strand). Cytogenetic location: 7q21.11.
Variant type: single nucleotide variant.
Coding change: c.335C>A on transcript NM_012431.3 (MANE Select); coding-DNA position 335, C replaced by A.
Protein change: p.Ala112Glu; replaces alanine 112 with glutamic acid.
Molecular consequence: missense variant.
Genome position (GRCh38, 1-based): chr7:83,469,244, G>T on the plus strand (C>A on the coding strand, the complement: SEMA3E is on the minus strand). VCF-style: chr7-83469244-G-T. GRCh37 (hg19) VCF-style: chr7-83098560-G-T.
Other names: c.155C>A, p.Ala52Glu (NM_001178129.2); short protein forms A52E, A112E.
Identifiers: ClinVar variation 2196115 (VCV002196115.4), dbSNP rs780025635, ClinGen allele CA367936071.

ClinVar aggregate classification (germline): Uncertain significance (1 of 4 stars; one submission).

Conditions:
CHARGE syndrome (CHARGE). Also called: Hittner Hirsch Kreh syndrome; CHARGE ASSOCIATION--COLOBOMA, HEART ANOMALY, CHOANAL ATRESIA, RETARDATION, GENITAL AND EAR ANOMALIES; Coloboma, heart anomaly, choanal atresia, retardation, genital and ear anomalies; CHARGE association; Hall-Hittner syndrome. Identifiers: Orphanet 138, MedGen C0265354, MONDO:0008965.

gnomAD v4.1: 3 of 1,605,288 alleles (0.00019%); highest among the groups gnomAD compares: Admixed American, 0.0017%; no homozygotes.

Submission:

Labcorp Genetics (formerly Invitae), Labcorp
Classification: Uncertain significance for CHARGE syndrome. Last evaluated: 2022-09-27. Review status: criteria provided, single submitter. Criteria: Invitae Variant Classification Sherloc (09022015). Collection method: clinical testing. Allele origin: germline.
Comment: In summary, the available evidence is currently insufficient to determine the role of this variant in disease. Therefore, it has been classified as a Variant of Uncertain Significance. Algorithms developed to predict the effect of missense changes on protein structure and function output the following: SIFT: "Deleterious"; PolyPhen-2: "Benign"; Align-GVGD: "Class C0". The glutamic acid amino acid residue is found in multiple mammalian species, which suggests that this missense change does not adversely affect protein function. This variant has not been reported in the literature in individuals affected with SEMA3E-related conditions. This variant is not present in population databases (gnomAD no frequency). This sequence change replaces alanine, which is neutral and non-polar, with glutamic acid, which is acidic and polar, at codon 112 of the SEMA3E protein (p.Ala112Glu).